The following is an entry in ClinVar:

NM_001122681.2(SH3BP2):c.1013A>T (p.His338Leu)

Gene: SH3BP2 (SH3 domain binding protein 2; plus strand). Cytogenetic location: 4p16.3.
Variant type: single nucleotide variant.
Coding change: c.1013A>T on transcript NM_001122681.2 (MANE Select); coding-DNA position 1013, A replaced by T.
Protein change: p.His338Leu; replaces histidine 338 with leucine.
Molecular consequence: missense variant.
Genome position (GRCh38, 1-based): chr4:2,829,919, A>T. VCF-style: chr4-2829919-A-T. GRCh37 (hg19) VCF-style: chr4-2831646-A-T.
Other names: c.1097A>T, p.His366Leu (NM_001145855.2); c.1184A>T, p.His395Leu (NM_001145856.2); c.1013A>T, p.His338Leu (NM_003023.4); short protein forms H395L, H338L, H366L.
Identifiers: ClinVar variation 3694718 (VCV003694718.2).

ClinVar aggregate classification (germline): Uncertain significance (1 of 4 stars; one submission).

Conditions:
Fibrous dysplasia of jaw (CRBM). Also called: Cherubism. Identifiers: Orphanet 184, MedGen C0008029, MONDO:0007315, OMIM 118400.

gnomAD v4.1: 1 of 1,613,518 alleles (0.000062%); highest among the groups gnomAD compares: African/African-American, 0.0013%; no homozygotes.

Submission:

Labcorp Genetics (formerly Invitae), Labcorp
Classification: Uncertain significance for Fibrous dysplasia of jaw. Last evaluated: 2024-09-03. Review status: criteria provided, single submitter. Criteria: Invitae Variant Classification Sherloc (09022015). Collection method: clinical testing. Allele origin: germline.
Comment: This sequence change replaces histidine, which is basic and polar, with leucine, which is neutral and non-polar, at codon 338 of the SH3BP2 protein (p.His338Leu). This variant is not present in population databases (gnomAD no frequency). This variant has not been reported in the literature in individuals affected with SH3BP2-related conditions. Invitae Evidence Modeling of protein sequence and biophysical properties (such as structural, functional, and spatial information, amino acid conservation, physicochemical variation, residue mobility, and thermodynamic stability) indicates that this missense variant is not expected to disrupt SH3BP2 protein function with a negative predictive value of 80%. In summary, the available evidence is currently insufficient to determine the role of this variant in disease. Therefore, it has been classified as a Variant of Uncertain Significance.